The following is an entry in ClinVar:

NM_002900.3(RBP3):c.3029G>A (p.Arg1010His)

Gene: RBP3 (retinol binding protein 3; plus strand). Cytogenetic location: 10q11.22.
Variant type: single nucleotide variant.
Coding change: c.3029G>A on transcript NM_002900.3 (MANE Select); coding-DNA position 3029, G replaced by A.
Protein change: p.Arg1010His; replaces arginine 1010 with histidine.
Molecular consequence: missense variant.
Genome position (GRCh38, 1-based): chr10:47,351,513, G>A. VCF-style: chr10-47351513-G-A. GRCh37 (hg19) VCF-style: chr10-48387849-C-T.
Other names: short protein forms R1010H.
Identifiers: ClinVar variation 839141 (VCV000839141.7), dbSNP rs149031179, ClinGen allele CA5487156.
Genomic context (GRCh38, chr10:47,351,513, plus strand): 5'-AGATGCTCTCCGGAGACCCACACCTGAAGGCAGCCCATATCCCTGAGAATGCCAAGGACC[G>A]CATTCCTGGAATTGTGCCCATGCAGGTGAGACCCAAGAGAGACCTGGCTGAACCCAGTCC-3'
Protein context (NP_002891.1, residues 1000-1020): AAHIPENAKD[Arg1010His]IPGIVPMQIP

ClinVar aggregate classification (germline): Uncertain significance. Review status: criteria provided, multiple submitters, no conflicts (2 of 4 stars). 2 submissions from 2 submitters: Uncertain significance (2). Last evaluated 2024-11-11.

Allele frequency attached by ClinVar (database versions not stated): ExAC 0.00002; TOPMed 0.00002; gnomAD exomes 0.00004; gnomAD 0.00005.
gnomAD v4.1: 69 of 1,613,630 alleles (0.0043%); highest among the groups gnomAD compares: East Asian, 0.0067%; no homozygotes.

Submissions (2):

Labcorp Genetics (formerly Invitae), Labcorp
Classification: Uncertain significance. Last evaluated: 2024-11-11. Review status: criteria provided, single submitter. Criteria: Invitae Variant Classification Sherloc (09022015). Collection method: clinical testing. Allele origin: germline.
Comment: This sequence change replaces arginine, which is basic and polar, with histidine, which is basic and polar, at codon 1010 of the RBP3 protein (p.Arg1010His). This variant is present in population databases (rs149031179, gnomAD 0.008%). This variant has not been reported in the literature in individuals affected with RBP3-related conditions. ClinVar contains an entry for this variant (Variation ID: 839141). Invitae Evidence Modeling of protein sequence and biophysical properties (such as structural, functional, and spatial information, amino acid conservation, physicochemical variation, residue mobility, and thermodynamic stability) indicates that this missense variant is not expected to disrupt RBP3 protein function with a negative predictive value of 80%. In summary, the available evidence is currently insufficient to determine the role of this variant in disease. Therefore, it has been classified as a Variant of Uncertain Significance.

Blueprint Genetics
Classification: Uncertain significance. Last evaluated: 2022-01-19. Review status: criteria provided, single submitter. Criteria: ACMG Guidelines, 2015. Collection method: clinical testing. Allele origin: germline.